The following is an entry in ClinVar:

ClinVar aggregate classification (germline): Likely benign. Review status: criteria provided, single submitter (1 of 4 stars). 2 submissions from 2 submitters: Likely benign (1). 1 of the submissions does not count toward it. Last evaluated 2025-12-28.

Conditions:
FOXP1-related disorder. Also called: FOXP1-related condition.

Allele frequency attached by ClinVar (database versions not stated): ExAC 0.00001; gnomAD exomes 0.00001; TOPMed 0.00002; gnomAD 0.00003 and 0.00004; ESP Exome Variant Server 0.00008.
gnomAD v4.1: 23 of 1,613,662 alleles (0.0014%); highest among the groups gnomAD compares: African/African-American, 0.0027%; no homozygotes.

Submissions (2):

Labcorp Genetics (formerly Invitae), Labcorp
Classification: Likely benign. Last evaluated: 2025-12-28. Review status: criteria provided, single submitter. Criteria: Invitae Variant Classification Sherloc (09022015). Collection method: clinical testing. Allele origin: germline.

PreventionGenetics, part of Exact Sciences
Classification: Likely benign for FOXP1-related condition. Last evaluated: 2023-01-21. Review status: no assertion criteria provided. Collection method: clinical testing. Allele origin: germline. Not counted in ClinVar's aggregate classification.
Comment: This variant is classified as likely benign based on ACMG/AMP sequence variant interpretation guidelines (Richards et al. 2015 PMID: 25741868, with internal and published modifications).

NM_001349338.3(FOXP1):c.1149G>A (p.Leu383=)

Gene: FOXP1 (forkhead box P1; minus strand). Cytogenetic location: 3p13.
Variant type: single nucleotide variant.
Coding change: c.1149G>A on transcript NM_001349338.3 (MANE Select); coding-DNA position 1149, G replaced by A.
Protein change: p.Leu383=; no amino-acid change (leucine 383 retained).
Molecular consequence: synonymous variant. On other transcripts: non-coding transcript variant (2).
Genome position (GRCh38, 1-based): chr3:70,978,027, C>T on the plus strand (G>A on the coding strand, the complement: FOXP1 is on the minus strand). VCF-style: chr3-70978027-C-T. GRCh37 (hg19) VCF-style: chr3-71027178-C-T.
Other names: c.1149G>A, p.Leu383= (NM_001244808.3, NM_001244810.2, NM_001244814.3 and 3 more transcripts); c.921G>A, p.Leu307= (NM_001244812.3); c.849G>A, p.Leu283= (NM_001244813.3, NM_001244815.2, NM_001349342.3 and 1 more transcripts); c.846G>A, p.Leu282= (NM_001349337.2, NM_001349343.3, NM_001349344.3); c.1146G>A, p.Leu382= (NM_001349341.3).
Identifiers: ClinVar variation 756041 (VCV000756041.8), dbSNP rs372657299, ClinGen allele CA2491070.
Genomic context (GRCh38, chr3:70,978,027, plus strand): 5'-TAAGCTCTGTGGAGAAGCCTCCGATGCGGACTTGGAGAGAGTGACACTTGATACCAGATT[C>T]AACTGCAAGGAAAAAAACAACGTCTTAGAAGACCTTCAGAAAACCAGAGCAACCCAGGAA-3'
Protein context (NP_001336267.1, residues 373-393): STEPKAAPQP[Leu383=]NLVSSVTLSK